The following is an entry in ClinVar:

ClinVar aggregate classification (germline): Uncertain significance (1 of 4 stars; one submission).

Allele frequency attached by ClinVar (database versions not stated): gnomAD exomes below 0.00001.

Submission:

CeGaT Center for Human Genetics Tuebingen
Classification: Uncertain significance. Last evaluated: 2024-05-01. Review status: criteria provided, single submitter. Criteria: CeGaT Center For Human Genetics Tuebingen Variant Classification Criteria Version 2. Collection method: clinical testing. Allele origin: germline. Affected: yes. Observed: 1 variant allele.
Comment: ANKRD11: PM2, BP4

NM_013275.6(ANKRD11):c.6239C>T (p.Ala2080Val)

Gene: ANKRD11 (ankyrin repeat domain 11; minus strand). Cytogenetic location: 16q24.3.
Variant type: single nucleotide variant.
Coding change: c.6239C>T on transcript NM_013275.6 (MANE Select); coding-DNA position 6239, C replaced by T.
Protein change: p.Ala2080Val; replaces alanine 2080 with valine.
Molecular consequence: missense variant.
Genome position (GRCh38, 1-based): chr16:89,280,303, G>A on the plus strand (C>T on the coding strand, the complement: ANKRD11 is on the minus strand). VCF-style: chr16-89280303-G-A. GRCh37 (hg19) VCF-style: chr16-89346711-G-A.
Other names: c.6239C>T, p.Ala2080Val (NM_001256182.2, NM_001256183.2); short protein forms A2080V.
Identifiers: ClinVar variation 3239007 (VCV003239007.19), dbSNP rs2034082579.
Genomic context (GRCh38, chr16:89,280,303, plus strand): 5'-TTTTCCAGGGGCCCCAGAGCCTCCACCTGAGCCACAGCGGCTACACAGGCGGGCTCGGGG[G>A]CCACGTCCAGCGGGGCTTCCGGAAGTGACTTGCAGTTGCTGAAGAAGGACTCCAGCCCGG-3'
Protein context (NP_037407.4, residues 2070-2090): KSLPEAPLDV[Ala2080Val]PEPACVAAVA